The following is an entry in ClinVar:

NM_007294.4(BRCA1):c.4475_4476insGGCCGGGCGCGGTGGCTCACGCCTGTAATCCCAGCACTTTGGGAGGCCGAGGCGGGTGGATCATGAGGTCAGGAGATCGAGACCATCCTGGCTAACAAGGTGAAACCNNNNNNNNNNAAAAAAAAAAAAAAAAAAAATAAAGAACCAGG (p.Gly1492_Val1493insAlaGlyArgGlyGlySerArgLeuTer)

Gene: BRCA1 (BRCA1 DNA repair associated; minus strand). Cytogenetic location: 17q21.31.
Variant type: Insertion.
Coding change: c.4475_4476insGGCCGGGCGCGGTGGCTCACGCCTGTAATCCCAGCACTTTGGGAGGCCGAGGCGGGTGGATCATGAGGTCAGGAGATCGAGACCATCCTGGCTAACAAGGTGAAACCNNNNNNNNNNAAAAAAAAAAAAAAAAAAAATAAAGAACCAGG on transcript NM_007294.4 (MANE Select); coding-DNA positions 4475 to 4476, GGCCGGGCGCGGTGGCTCACGCCTGTAATCCCAGCACTTTGGGAGGCCGAGGCGGGTGGATCATGAGGTCAGGAGATCGAGACCATCCTGGCTAACAAGGTGAAACCNNNNNNNNNNAAAAAAAAAAAAAAAAAAAATAAAGAACCAGG inserted.
Protein change: p.Gly1492_Val1493insAlaGlyArgGlyGlySerArgLeuTer.
Molecular consequence: nonsense, inframe insertion. On other transcripts: frameshift variant (362), non-coding transcript variant (1).
Genome position: GRCh38: chr17:43,076,513-43,076,514. GRCh37 (hg19): chr17:41,228,530-41,228,531.
Other names: c.4314_4315insAAAAATAAAGAACCAGGGGCCGGGCGCGGTGGCTCACGCCTGTAATCCCAGCACTTTGGGAGGCCGAGGCGGGTGGATCATGAGGTCAGGAGATCGAGACCATCCTGGCTAACAAGGTGAAACCNNNNNNNNNNAAAAAAAAAAAAAAA, p.Val1445Alafs (NM_001407944.1, NM_001407945.1, NM_001407943.1 and 21 more transcripts); c.4125_4126insAAAAATAAAGAACCAGGGGCCGGGCGCGGTGGCTCACGCCTGTAATCCCAGCACTTTGGGAGGCCGAGGCGGGTGGATCATGAGGTCAGGAGATCGAGACCATCCTGGCTAACAAGGTGAAACCNNNNNNNNNNAAAAAAAAAAAAAAA, p.Val1382Alafs (NM_001407946.1, NM_001407947.1, NM_001407948.1 and 1 more transcripts); c.4122_4123insAAAAATAAAGAACCAGGGGCCGGGCGCGGTGGCTCACGCCTGTAATCCCAGCACTTTGGGAGGCCGAGGCGGGTGGATCATGAGGTCAGGAGATCGAGACCATCCTGGCTAACAAGGTGAAACCNNNNNNNNNNAAAAAAAAAAAAAAA, p.Val1381Alafs (NM_001407950.1, NM_001407951.1, NM_001407952.1 and 3 more transcripts); c.4074_4075insAAAAATAAAGAACCAGGGGCCGGGCGCGGTGGCTCACGCCTGTAATCCCAGCACTTTGGGAGGCCGAGGCGGGTGGATCATGAGGTCAGGAGATCGAGACCATCCTGGCTAACAAGGTGAAACCNNNNNNNNNNAAAAAAAAAAAAAAA, p.Val1365Alafs (NM_001407962.1, NM_001407960.1); c.3570_3571insAAAAATAAAGAACCAGGGGCCGGGCGCGGTGGCTCACGCCTGTAATCCCAGCACTTTGGGAGGCCGAGGCGGGTGGATCATGAGGTCAGGAGATCGAGACCATCCTGGCTAACAAGGTGAAACCNNNNNNNNNNAAAAAAAAAAAAAAA, p.Val1197Alafs (NM_001407966.1); c.4119_4120insAAAAATAAAGAACCAGGGGCCGGGCGCGGTGGCTCACGCCTGTAATCCCAGCACTTTGGGAGGCCGAGGCGGGTGGATCATGAGGTCAGGAGATCGAGACCATCCTGGCTAACAAGGTGAAACCNNNNNNNNNNAAAAAAAAAAAAAAA, p.Val1380Alafs (NM_001407956.1, NM_001407957.1, NM_001407958.1); c.4077_4078insAAAAATAAAGAACCAGGGGCCGGGCGCGGTGGCTCACGCCTGTAATCCCAGCACTTTGGGAGGCCGAGGCGGGTGGATCATGAGGTCAGGAGATCGAGACCATCCTGGCTAACAAGGTGAAACCNNNNNNNNNNAAAAAAAAAAAAAAA, p.Val1366Alafs (NM_001407959.1); c.4071_4072insAAAAATAAAGAACCAGGGGCCGGGCGCGGTGGCTCACGCCTGTAATCCCAGCACTTTGGGAGGCCGAGGCGGGTGGATCATGAGGTCAGGAGATCGAGACCATCCTGGCTAACAAGGTGAAACCNNNNNNNNNNAAAAAAAAAAAAAAA, p.Val1364Alafs (NM_001407963.1); and 71 more.
Identifiers: ClinVar variation 1069116 (VCV001069116.8), dbSNP rs2154058114.

ClinVar aggregate classification (germline): Pathogenic (1 of 4 stars; one submission).

Conditions:
Hereditary breast ovarian cancer syndrome. Also called: Breast and ovarian cancer; BRCA1- and BRCA2-Associated Hereditary Breast and Ovarian Cancer; Hereditary breast and ovarian cancer syndrome; Hereditary breast and/or ovarian cancer syndrome; Hereditary breast and ovarian cancer; Hereditary breast and ovarian cancer syndrome (HBOC). Identifiers: Orphanet 145, MedGen C0677776, MeSH D061325, MONDO:0003582. Disease mechanism: loss of function.

Submission:

Labcorp Genetics (formerly Invitae), Labcorp
Classification: Pathogenic for Hereditary breast ovarian cancer syndrome. Last evaluated: 2022-01-26. Review status: criteria provided, single submitter. Criteria: Invitae Variant Classification Sherloc (09022015). Collection method: clinical testing. Allele origin: germline.
Comment: For these reasons, this variant has been classified as Pathogenic. Retrotransposon insertions including LINE1 (L1), Alu, and SVA (SINE-VNTR-Alu) have been reported to be disease-causing through disruption of either a coding region or splice site (PMID: 19763152, 20307669, 22406018) and loss-of-function variants in BRCA1 are known to be pathogenic (PMID: 20104584). Algorithms developed to predict the effect of sequence changes on RNA splicing suggest that this variant may create or strengthen a splice site. ClinVar contains an entry for this variant (Variation ID: 1069116). This variant has not been reported in the literature in individuals affected with BRCA1-related conditions. This variant is not present in population databases (gnomAD no frequency). This sequence change inserts a large fragment of DNA, likely a transposable element, in exon 13 of the BRCA1 gene (c.4475_4476ins?), causing a frameshift at codon 1492 (p.Gly1492fs). The exact size and sequence of the insertion cannot be determined by the current assay. However, the insertion is expected to result in an absent or disrupted protein product.

Literature cited by the submitters: PubMed 19763152; PubMed 20307669; PubMed 22406018; PubMed 20104584.